The following is an entry in ClinVar:

NM_000219.6(KCNE1):c.123G>T (p.Lys41Asn)

Gene: KCNE1 (potassium voltage-gated channel subfamily E regulatory subunit 1; minus strand). Cytogenetic location: 21q22.12.
Variant type: single nucleotide variant.
Coding change: c.123G>T on transcript NM_000219.6 (MANE Select); coding-DNA position 123, G replaced by T.
Protein change: p.Lys41Asn; replaces lysine 41 with asparagine.
Molecular consequence: missense variant.
Genome position (GRCh38, 1-based): chr21:34,449,512, C>A on the plus strand (G>T on the coding strand, the complement: KCNE1 is on the minus strand). VCF-style: chr21-34449512-C-A. GRCh37 (hg19) VCF-style: chr21-35821810-C-A.
Other names: c.123G>T, p.Lys41Asn (NM_001127668.4, NM_001127669.4, NM_001127670.4 and 4 more transcripts); short protein forms K41N.
Identifiers: ClinVar variation 3374105 (VCV003374105.2).

Conditions:
Long QT syndrome 5 (LQT5). Identifiers: Orphanet 101016, Orphanet 768, MedGen C1867904, MONDO:0013372, OMIM 613695.

Submission:

Roden Lab, Vanderbilt University Medical Center
No classification provided (evidence only). Condition: Long QT syndrome 5. Review status: no classification provided. Collection method: in vitro. Allele origin: not applicable. Functional consequence: Effect on ion channel function.
ClinVar note: "not provided" was previously submitted as the classification for the variant. However, the classification appeared to be based only on an observation of functional data so it was converted to no classification on 2025-07-30.